The following is an entry in ClinVar:

ClinVar aggregate classification (germline): Conflicting classifications of pathogenicity. Review status: criteria provided, conflicting classifications (1 of 4 stars). 5 submissions from 5 submitters: Uncertain significance (3); Likely benign (1). 1 of the submissions does not count toward it. Last evaluated 2024-12-03.

Conditions:
VPS13A-related neurodegenerative disease. Also called: LEVINE-CRITCHLEY SYNDROME; Choreoacanthocytosis; ACANTHOCYTOSIS WITH NEUROLOGIC DISORDER; Chorea-acanthocytosis; Choreaacanthocytosis; VPS13A Disease. Identifiers: Orphanet 2388, MedGen C0393576, MONDO:0008695, OMIM 200150.
Inborn genetic diseases. Identifiers: MedGen C0950123, MeSH D030342.

Allele frequency attached by ClinVar (database versions not stated): gnomAD 0.00002; gnomAD exomes 0.00002 and 0.00009; TOPMed 0.00003; ExAC 0.00006.
gnomAD v4.1: 40 of 1,613,776 alleles (0.0025%); highest among the groups gnomAD compares: Admixed American, 0.035%; no homozygotes.

Submissions (5):

Ambry Genetics
Classification: Likely benign for Inborn genetic diseases. Last evaluated: 2024-12-03. Review status: criteria provided, single submitter. Criteria: Ambry Variant Classification Scheme 2023. Collection method: clinical testing. Allele origin: germline.

Fulgent Genetics
Classification: Uncertain significance for VPS13A-related neurodegenerative disease. Last evaluated: 2021-10-12. Review status: criteria provided, single submitter. Criteria: ACMG Guidelines, 2015. Collection method: clinical testing. Allele origin: unknown.

Labcorp Genetics (formerly Invitae), Labcorp
Classification: Uncertain significance. Last evaluated: 2021-09-17. Review status: criteria provided, single submitter. Criteria: Invitae Variant Classification Sherloc (09022015). Collection method: clinical testing. Allele origin: germline.
Comment: This sequence change replaces serine with leucine at codon 1749 of the VPS13A protein (p.Ser1749Leu). The serine residue is moderately conserved and there is a large physicochemical difference between serine and leucine. This variant is present in population databases (rs781398633, ExAC 0.02%). This variant has not been reported in the literature in individuals with VPS13A-related disease. Algorithms developed to predict the effect of missense changes on protein structure and function are either unavailable or do not agree on the potential impact of this missense change (SIFT: "Tolerated"; PolyPhen-2: "Possibly Damaging"; Align-GVGD: "Class C0"). In summary, the available evidence is currently insufficient to determine the role of this variant in disease. Therefore, it has been classified as a Variant of Uncertain Significance.

GeneDx
Classification: Uncertain significance. Last evaluated: 2019-03-28. Review status: criteria provided, single submitter. Criteria: GeneDx Variant Classification Process June 2021. Collection method: clinical testing. Allele origin: germline. Affected: yes.
Comment: In silico analysis, which includes protein predictors and evolutionary conservation, supports a deleterious effect; Has not been previously published as pathogenic or benign to our knowledge

Department of Pathology and Laboratory Medicine, Sinai Health System
Classification: Uncertain significance. Review status: no assertion criteria provided. Collection method: clinical testing. Allele origin: unknown. Affected: yes. Study: The Canadian Open Genetics Repository (COGR). Not counted in ClinVar's aggregate classification.
Comment: The VPS13A p.Ser1749Leu variant was not identified in the literature nor was it identified in ClinVar, Cosmic or LOVD 3.0. The variant was identified in dbSNP (ID: rs781398633) and in control databases in 23 of 280014 chromosomes at a frequency of 0.000082 (Genome Aggregation Database Feb 27, 2017). The variant was observed in the following populations: Latino in 14 of 35358 chromosomes (freq: 0.000396), Other in 2 of 7176 chromosomes (freq: 0.000279), Ashkenazi Jewish in 2 of 10338 chromosomes (freq: 0.000194), African in 1 of 24920 chromosomes (freq: 0.00004) and European (non-Finnish) in 4 of 126584 chromosomes (freq: 0.000032); it was not observed in the East Asian, European (Finnish), and South Asian populations. The p.Ser1749 residue is not conserved in mammals and computational analyses (PolyPhen-2, SIFT, AlignGVGD, BLOSUM, MutationTaster) provide inconsistent predictions regarding the impact to the protein; this information is not very predictive of pathogenicity. The variant occurs outside of the splicing consensus sequence and in silico or computational prediction software programs (SpliceSiteFinder, MaxEntScan, NNSPLICE, GeneSplicer) do not predict a difference in splicing. In summary, based on the above information the clinical significance of this variant cannot be determined with certainty at this time. This variant is classified as a variant of uncertain significance.

NM_033305.3(VPS13A):c.5246C>T (p.Ser1749Leu)

Gene: VPS13A (vacuolar protein sorting 13 homolog A; plus strand). Cytogenetic location: 9q21.2.
Variant type: single nucleotide variant.
Coding change: c.5246C>T on transcript NM_033305.3 (MANE Select); coding-DNA position 5246, C replaced by T.
Protein change: p.Ser1749Leu; replaces serine 1749 with leucine.
Molecular consequence: missense variant.
Genome position (GRCh38, 1-based): chr9:77,318,524, C>T. VCF-style: chr9-77318524-C-T. GRCh37 (hg19) VCF-style: chr9-79933440-C-T.
Other names: c.5129C>T, p.Ser1710Leu (NM_001018037.2); c.5246C>T, p.Ser1749Leu (NM_001018038.3, NM_015186.4); short protein forms S1710L, S1749L.
Identifiers: ClinVar variation 1050337 (VCV001050337.9), dbSNP rs781398633, ClinGen allele CA5092707.